The following is an entry in ClinVar:

NM_001733.7(C1R):c.395A>T (p.Lys132Met)

Gene: C1R (complement C1r; minus strand). Cytogenetic location: 12p13.31.
Variant type: single nucleotide variant.
Coding change: c.395A>T on transcript NM_001733.7 (MANE Select); coding-DNA position 395, A replaced by T.
Protein change: p.Lys132Met; replaces lysine 132 with methionine.
Molecular consequence: missense variant.
Genome position (GRCh38, 1-based): chr12:7,090,085, T>A on the plus strand (A>T on the coding strand, the complement: C1R is on the minus strand). VCF-style: chr12-7090085-T-A. GRCh37 (hg19) VCF-style: chr12-7242681-T-A.
Other names: c.437A>T, p.Lys146Met (NM_001354346.2); short protein forms K132M, K146M.
Identifiers: ClinVar variation 2682290 (VCV002682290.1), dbSNP rs780249848, ClinGen allele CA383727859.

ClinVar aggregate classification (germline): Uncertain significance (1 of 4 stars; one submission).

gnomAD v4.1: 1 of 777,464 alleles (0.00013%); highest among the groups gnomAD compares: Admixed American, 0.0017%; no homozygotes.

Submission:

Women's Health and Genetics/Laboratory Corporation of America, LabCorp
Classification: Uncertain significance. Last evaluated: 2023-11-03. Review status: criteria provided, single submitter. Criteria: LabCorp Variant Classification Summary - May 2015. Collection method: clinical testing. Allele origin: germline.
Comment: Variant summary: C1R c.395A>T (p.Lys132Met) results in a non-conservative amino acid change located in the CUB domain (IPR000859) of the encoded protein sequence. Four of five in-silico tools predict a damaging effect of the variant on protein function. The variant was absent in 243426 control chromosomes (gnomAD). The available data on variant occurrences in the general population are insufficient to allow any conclusion about variant significance. To our knowledge, no occurrence of c.395A>T in individuals affected with Ehlers-Danlos Syndrome, Periodontal Type 1 and no experimental evidence demonstrating its impact on protein function have been reported. No submitters have cited clinical-significance assessments for this variant to ClinVar after 2014. Based on the evidence outlined above, the variant was classified as uncertain significance.